The following is an entry in ClinVar:

ClinVar aggregate classification (germline): Uncertain significance. Review status: criteria provided, multiple submitters, no conflicts (2 of 4 stars). 2 submissions from 2 submitters: Uncertain significance (2). Last evaluated 2022-09-01.

Conditions:
Mitochondrial DNA depletion syndrome 1. Also called: Mitochondrial DNA depletion syndrome 1 (MNGIE type); Mitochondrial DNA Depletion Syndrome, MNGIE Form; Mitochondrial neurogastrointestinal encephalomyopathy syndrome; Mitochondrial Neurogastrointestinal Encephalopathy Disease; MITOCHONDRIAL NEUROGASTROINTESTINAL ENCEPHALOPATHY SYNDROME, TYMP-RELATED; MNGIE, TYMP-RELATED. Identifiers: Orphanet 298, MedGen C4551995, MONDO:0011283, OMIM 603041.

Allele frequency attached by ClinVar (database versions not stated): gnomAD below 0.00001 and 0.00001; TOPMed 0.00001; gnomAD exomes 0.00002.
gnomAD v4.1: 19 of 1,494,408 alleles (0.0013%); highest among the groups gnomAD compares: East Asian, 0.037%; no homozygotes.

Submissions (2):

Labcorp Genetics (formerly Invitae), Labcorp
Classification: Uncertain significance. Last evaluated: 2022-09-01. Review status: criteria provided, single submitter. Criteria: Invitae Variant Classification Sherloc (09022015). Collection method: clinical testing. Allele origin: germline.
Comment: This sequence change replaces glycine, which is neutral and non-polar, with arginine, which is basic and polar, at codon 318 of the TYMP protein (p.Gly318Arg). This variant is present in population databases (no rsID available, gnomAD 0.03%). This variant has not been reported in the literature in individuals affected with TYMP-related conditions. ClinVar contains an entry for this variant (Variation ID: 903050). Advanced modeling of protein sequence and biophysical properties (such as structural, functional, and spatial information, amino acid conservation, physicochemical variation, residue mobility, and thermodynamic stability) performed at Invitae indicates that this missense variant is not expected to disrupt TYMP protein function. In summary, the available evidence is currently insufficient to determine the role of this variant in disease. Therefore, it has been classified as a Variant of Uncertain Significance.

Illumina Laboratory Services, Illumina
Classification: Uncertain significance for Mitochondrial DNA depletion syndrome 1. Last evaluated: 2017-04-27. Review status: criteria provided, single submitter. Criteria: ICSL Variant Classification Criteria 13 December 2019. Collection method: clinical testing. Allele origin: germline.

NM_001953.5(TYMP):c.952G>C (p.Gly318Arg)

Genes: TYMP (thymidine phosphorylase; minus strand), LOC130067862 (ATAC-STARR-seq lymphoblastoid silent region 13986; plus strand). Cytogenetic location: 22q13.33.
Variant type: single nucleotide variant.
Coding change: c.952G>C on transcript NM_001953.5 (MANE Select); coding-DNA position 952, G replaced by C.
Protein change: p.Gly318Arg; replaces glycine 318 with arginine.
Molecular consequence: missense variant.
Genome position (GRCh38, 1-based): chr22:50,526,453, C>G on the plus strand (G>C on the coding strand, the complement: TYMP is on the minus strand). VCF-style: chr22-50526453-C-G. GRCh37 (hg19) VCF-style: chr22-50964882-C-G.
Other names: c.952G>C, p.Gly318Arg (NM_001113755.3, NM_001113756.3, NM_001257988.1 and 1 more transcripts); short protein forms G318R.
Identifiers: ClinVar variation 903050 (VCV000903050.5), dbSNP rs1412132331, ClinGen allele CA412198246.